The following is an entry in ClinVar:

NM_006767.4(LZTR1):c.1388_1400del (p.Val463fs)

Gene: LZTR1 (leucine zipper like post translational regulator 1; plus strand). Cytogenetic location: 22q11.21.
Variant type: Deletion.
Coding change: c.1388_1400del on transcript NM_006767.4 (MANE Select); coding-DNA positions 1388 to 1400, 13 bases deleted (TCACAGCGCGGAG).
Protein change: p.Val463fs; shifts the reading frame from valine 463.
Molecular consequence: frameshift variant.
Genome position (GRCh38, 1-based): chr22:20,993,958-20,993,970, TCACAGCGCGGAG deleted; deleting any 13 consecutive bases within chr22:20,993,957-20,993,970 gives the same sequence; the c. name uses the placement nearest the transcript's 3' end. VCF-style (leftmost placement, unchanged base first): chr22-20993956-TGTCACAGCGCGGA-T. GRCh37 (hg19) VCF-style: chr22-21348245-TGTCACAGCGCGGA-T.
Other names: short protein forms V463fs.
Identifiers: ClinVar variation 4101934 (VCV004101934.1).
Genomic context (GRCh38, chr22:20,993,956, plus strand): 5'-CTCTGCCAGTGCATCATTCTTTGTGCAGAAGGAGGAGTGCGTGCAGGGCCACGTAGCCAT[TGTCACAGCGCGGA>T]GCCGCTGGCTTCGCAGGAAGATCACGCAGGCGCGGGAGAGGCTGGCCCAGGTGAGGTGCC-3'

ClinVar aggregate classification (germline): Pathogenic (1 of 4 stars; one submission).

Conditions:
Cardiovascular phenotype. Identifiers: MedGen CN230736.
Hereditary cancer-predisposing syndrome. Also called: Tumor predisposition; Neoplastic Syndromes, Hereditary; Hereditary neoplastic syndrome; Hereditary Cancer Syndrome. Identifiers: Orphanet 140162, MedGen C0027672, MeSH D009386, MONDO:0015356.

Submission:

Ambry Genetics
Classification: Pathogenic for Cardiovascular phenotype; Hereditary cancer-predisposing syndrome. Last evaluated: 2025-09-08. Review status: criteria provided, single submitter. Criteria: Ambry Variant Classification Scheme 2023. Collection method: clinical testing. Allele origin: germline.
Comment: The c.1388_1400del13 variant, located in coding exon 13 of the LZTR1 gene, results from a deletion of 13 nucleotides at nucleotide positions 1388 to 1400, causing a translational frameshift with a predicted alternate stop codon (p.V463Afs*89). This alteration is expected to result in loss of function by premature protein truncation or nonsense-mediated mRNA decay. Loss-of-function variants in LZTR1 are related to an increased risk for schwannomas and autosomal recessive Noonan syndrome; however, such associations with autosomal dominant Noonan syndrome have not been observed (Piotrowski A et al. Nat Genet. 2014 Feb;46:182-7; Yamamoto GL et al. J Med Genet. 2015 Jun;52:413-21; Johnston JJ et al. Genet Med. 2018 10;20:1175-1185). This variant is considered to be rare based on population cohorts in the Genome Aggregation Database (gnomAD). Based on the supporting evidence, this variant is pathogenic for an increased risk of LZTR1-related schwannomatosis (SWN) and would be expected to cause autosomal recessive Noonan syndrome when present along with a second pathogenic or likely pathogenic variant on the other allele; however, the association of this alteration with autosomal dominant Noonan syndrome is unlikely.